The following is an entry in ClinVar:

ClinVar aggregate classification (germline): Uncertain significance. Review status: criteria provided, multiple submitters, no conflicts (2 of 4 stars). 2 submissions from 2 submitters: Uncertain significance (2). Last evaluated 2024-09-15.

Conditions:
Hereditary cancer-predisposing syndrome. Also called: Hereditary Cancer Syndrome; Tumor predisposition; Neoplastic Syndromes, Hereditary; Hereditary neoplastic syndrome. Identifiers: Orphanet 140162, MedGen C0027672, MeSH D009386, MONDO:0015356.
Gorlin syndrome. Also called: Nevoid Basal Cell Carcinoma Syndrome; Basal cell nevus syndrome. Identifiers: Orphanet 377, MedGen C0004779, MONDO:0007187.

Submissions (2):

Labcorp Genetics (formerly Invitae), Labcorp
Classification: Uncertain significance for Gorlin syndrome. Last evaluated: 2024-09-15. Review status: criteria provided, single submitter. Criteria: Invitae Variant Classification Sherloc (09022015). Collection method: clinical testing. Allele origin: germline.
Comment: This sequence change replaces histidine, which is basic and polar, with tyrosine, which is neutral and polar, at codon 846 of the PTCH1 protein (p.His846Tyr). This variant is not present in population databases (gnomAD no frequency). This variant has not been reported in the literature in individuals affected with PTCH1-related conditions. Invitae Evidence Modeling of protein sequence and biophysical properties (such as structural, functional, and spatial information, amino acid conservation, physicochemical variation, residue mobility, and thermodynamic stability) indicates that this missense variant is not expected to disrupt PTCH1 protein function with a negative predictive value of 95%. In summary, the available evidence is currently insufficient to determine the role of this variant in disease. Therefore, it has been classified as a Variant of Uncertain Significance.

Ambry Genetics
Classification: Uncertain significance for Hereditary cancer-predisposing syndrome. Last evaluated: 2022-11-15. Review status: criteria provided, single submitter. Criteria: Ambry Variant Classification Scheme 2023. Collection method: clinical testing. Allele origin: germline.
Comment: The p.H846Y variant (also known as c.2536C>T), located in coding exon 15 of the PTCH1 gene, results from a C to T substitution at nucleotide position 2536. The histidine at codon 846 is replaced by tyrosine, an amino acid with similar properties. This amino acid position is highly conserved in available vertebrate species. In addition, this alteration is predicted to be deleterious by in silico analysis. Since supporting evidence is limited at this time, the clinical significance of this alteration remains unclear.

NM_000264.5(PTCH1):c.2536C>T (p.His846Tyr)

Genes: PTCH1 (patched 1; minus strand), LOC100507346 (uncharacterized LOC100507346; plus strand). Cytogenetic location: 9q22.32.
Variant type: single nucleotide variant.
Coding change: c.2536C>T on transcript NM_000264.5 (MANE Select); coding-DNA position 2536, C replaced by T.
Protein change: p.His846Tyr; replaces histidine 846 with tyrosine.
Molecular consequence: missense variant. On other transcripts: non-coding transcript variant (2).
Genome position (GRCh38, 1-based): chr9:95,467,140, G>A on the plus strand (C>T on the coding strand, the complement: PTCH1 is on the minus strand). VCF-style: chr9-95467140-G-A. GRCh37 (hg19) VCF-style: chr9-98229422-G-A.
Other names: c.2338C>T, p.His780Tyr (NM_001083602.3); c.2533C>T, p.His845Tyr (NM_001083603.3); c.2083C>T, p.His695Tyr (NM_001083604.3, NM_001083605.3, NM_001083606.3 and 1 more transcripts); c.2380C>T, p.His794Tyr (NM_001354918.2); short protein forms H695Y, H780Y, H794Y, H845Y, H846Y.
Identifiers: ClinVar variation 3230983 (VCV003230983.3), dbSNP rs2117947484, ClinGen allele CA374113754.